The following is an entry in ClinVar:

ClinVar aggregate classification (germline): Uncertain significance (1 of 4 stars; one submission).

Allele frequency attached by ClinVar (database versions not stated): gnomAD exomes below 0.00001.
gnomAD v4.1: 2 of 1,614,178 alleles (0.00012%); highest among the groups gnomAD compares: Non-Finnish European, 0.00017%; no homozygotes.

Submission:

Labcorp Genetics (formerly Invitae), Labcorp
Classification: Uncertain significance. Last evaluated: 2024-10-24. Review status: criteria provided, single submitter. Criteria: Invitae Variant Classification Sherloc (09022015). Collection method: clinical testing. Allele origin: germline.
Comment: This sequence change replaces asparagine, which is neutral and polar, with serine, which is neutral and polar, at codon 960 of the PRPF8 protein (p.Asn960Ser). This variant is not present in population databases (gnomAD no frequency). This variant has not been reported in the literature in individuals affected with PRPF8-related conditions. ClinVar contains an entry for this variant (Variation ID: 1001678). Invitae Evidence Modeling of protein sequence and biophysical properties (such as structural, functional, and spatial information, amino acid conservation, physicochemical variation, residue mobility, and thermodynamic stability) indicates that this missense variant is not expected to disrupt PRPF8 protein function with a negative predictive value of 80%. In summary, the available evidence is currently insufficient to determine the role of this variant in disease. Therefore, it has been classified as a Variant of Uncertain Significance.

NM_006445.4(PRPF8):c.2879A>G (p.Asn960Ser)

Gene: PRPF8 (pre-mRNA processing factor 8; minus strand). Cytogenetic location: 17p13.3.
Variant type: single nucleotide variant.
Coding change: c.2879A>G on transcript NM_006445.4 (MANE Select); coding-DNA position 2879, A replaced by G.
Protein change: p.Asn960Ser; replaces asparagine 960 with serine.
Molecular consequence: missense variant.
Genome position (GRCh38, 1-based): chr17:1,675,333, T>C on the plus strand (A>G on the coding strand, the complement: PRPF8 is on the minus strand). VCF-style: chr17-1675333-T-C. GRCh37 (hg19) VCF-style: chr17-1578627-T-C.
Other names: short protein forms N960S.
Identifiers: ClinVar variation 1001678 (VCV001001678.5), dbSNP rs1912553788, ClinGen allele CA397545255.
Genomic context (GRCh38, chr17:1,675,333, plus strand): 5'-CGGGATTCCAGCATGACATTGCACTCGCCTTCACTCGTCTCCCACACGTCCTGCAGGTTA[T>C]TGATGCCTGAGGAGTAGCAAGGCAGGTCTCCAGCAGGTTAGAAATCCTCTTGCAAGACTA-3'
Protein context (NP_006436.3, residues 950-970): LLVYKWCQGI[Asn960Ser]NLQDVWETSE